The following is an entry in ClinVar:

NM_003002.4(SDHD):c.338A>T (p.Asp113Val)

Gene: SDHD (succinate dehydrogenase complex subunit D; plus strand). Cytogenetic location: 11q23.1.
Variant type: single nucleotide variant.
Coding change: c.338A>T on transcript NM_003002.4 (MANE Select); coding-DNA position 338, A replaced by T.
Protein change: p.Asp113Val; replaces aspartic acid 113 with valine.
Molecular consequence: missense variant. On other transcripts: 3 prime UTR variant (1), non-coding transcript variant (1).
Genome position (GRCh38, 1-based): chr11:112,094,828, A>T. VCF-style: chr11-112094828-A-T. GRCh37 (hg19) VCF-style: chr11-111965552-A-T.
Other names: c.193A>T, p.Thr65Ser (NM_001276503.2); c.221A>T, p.Asp74Val (NM_001276504.2); c.*36A>T (NM_001276506.2); short protein forms D113V, T65S, D74V.
Identifiers: ClinVar variation 185859 (VCV000185859.9), dbSNP rs786202513, ClinGen allele CA016960.
Genomic context (GRCh38, chr11:112,094,828, plus strand): 5'-TTTTTTATTGATGTTATGATTTTTTCTTTTTCTTTAGGGGCCTTGGACAAGTTGTTACTG[A>T]CTATGTTCATGGGGATGCCTTGCAGAAAGCTGCCAAGGCAGGGCTTTTGGCACTTTCAGC-3'
Protein context (NP_002993.1, residues 103-123): GHWGLGQVVT[Asp113Val]YVHGDALQKA

ClinVar aggregate classification (germline): Conflicting classifications of pathogenicity. Review status: criteria provided, conflicting classifications (1 of 4 stars). 2 submissions from 2 submitters: Likely pathogenic (1); Uncertain significance (1). Last evaluated 2026-05-18.

Conditions:
Pheochromocytoma. Also called: MAX-Related Hereditary Paraganglioma-Pheochromocytoma Syndrome. Identifiers: Orphanet 29072, MedGen C0031511, MONDO:0008233, OMIM 171300, HP:0002666.
Cowden syndrome 3 (CWS3). Identifiers: Orphanet 201, MedGen CN166604, MONDO:0014045.
Carney-Stratakis syndrome. Also called: PARAGANGLIOMA AND GASTROINTESTINAL STROMAL TUMOR. Identifiers: Orphanet 97286, MedGen C1847319, MONDO:0011740, OMIM 606864.
Paragangliomas with sensorineural hearing loss. Identifiers: MedGen C1868633.
Hereditary cancer-predisposing syndrome. Also called: Tumor predisposition; Hereditary Cancer Syndrome; Hereditary neoplastic syndrome; Neoplastic Syndromes, Hereditary. Identifiers: Orphanet 140162, MedGen C0027672, MeSH D009386, MONDO:0015356.

Allele frequency attached by ClinVar (database versions not stated): gnomAD exomes below 0.00001.

Submissions (2):

Ambry Genetics
Classification: Likely pathogenic for Hereditary cancer-predisposing syndrome. Last evaluated: 2026-05-18. Review status: criteria provided, single submitter. Criteria: Ambry Variant Classification Scheme 2023. Collection method: clinical testing. Allele origin: germline.
Comment: The p.D113V variant (also known as c.338A>T), located in coding exon 4 of the SDHD gene, results from an A to T substitution at nucleotide position 338. The aspartic acid at codon 113 is replaced by valine, an amino acid with highly dissimilar properties. This variant was reported in individual(s) with features consistent with SDHD-related hereditary pheochromocytoma-paraganglioma (Ma X et al. Front Endocrinol (Lausanne), 2020 Dec;11:574662; Ambry internal data). This amino acid position is highly conserved in available vertebrate species. In addition, this alteration is predicted to be deleterious by in silico analysis. Based on the majority of available evidence to date, this variant is likely to be pathogenic.

Labcorp Genetics (formerly Invitae), Labcorp
Classification: Uncertain significance for Carney-Stratakis syndrome; Paragangliomas with sensorineural hearing loss; Pheochromocytoma; Cowden syndrome 3. Last evaluated: 2024-01-06. Review status: criteria provided, single submitter. Criteria: Invitae Variant Classification Sherloc (09022015). Collection method: clinical testing. Allele origin: germline.
Comment: This sequence change replaces aspartic acid, which is acidic and polar, with valine, which is neutral and non-polar, at codon 113 of the SDHD protein (p.Asp113Val). This variant is not present in population databases (gnomAD no frequency). This missense change has been observed in individual(s) with paraganglioma-pheochromocytoma syndromes (PMID: 34906457; Invitae). ClinVar contains an entry for this variant (Variation ID: 185859). Advanced modeling of protein sequence and biophysical properties (such as structural, functional, and spatial information, amino acid conservation, physicochemical variation, residue mobility, and thermodynamic stability) has been performed at Invitae for this missense variant, however the output from this modeling did not meet the statistical confidence thresholds required to predict the impact of this variant on SDHD protein function. This variant disrupts the p.Asp113 amino acid residue in SDHD. Other variant(s) that disrupt this residue have been observed in individuals with SDHD-related conditions (Invitae), which suggests that this may be a clinically significant amino acid residue. In summary, the available evidence is currently insufficient to determine the role of this variant in disease. Therefore, it has been classified as a Variant of Uncertain Significance.

Literature cited by the submitters: PubMed 33362715 (cited by Ambry Genetics); PubMed 34906457 (cited by Labcorp Genetics (formerly Invitae), Labcorp).